The following is an entry in ClinVar:

ClinVar aggregate classification (germline): Pathogenic/Likely pathogenic. Review status: criteria provided, multiple submitters, no conflicts (2 of 4 stars). 5 submissions from 5 submitters: Pathogenic (4); Likely pathogenic (1). Last evaluated 2024-08-16.

Conditions:
COL1A1-related disorder. Also called: COL1A1- related disease; COL1A1-related condition.
Osteogenesis imperfecta type I (OI1). Also called: OSTEOGENESIS IMPERFECTA WITH BLUE SCLERAE; Osteogenesis imperfecta type 1; Lobstein's Disease; OI, TYPE I; OSTEOGENESIS IMPERFECTA TARDA; Classic Non-deforming Osteogenesis Imperfecta with Blue Sclerae. Identifiers: Orphanet 216796, Orphanet 666, MedGen C0023931, MONDO:0008146, OMIM 166200. Disease mechanism: loss of function.

Submissions (5):

Division of Genetic & Genomic Pathology, Hong Kong Children's Hospital
Classification: Likely pathogenic for Osteogenesis imperfecta type I. Last evaluated: 2024-08-16. Review status: criteria provided, single submitter. Criteria: ACMG Guidelines, 2015. Collection method: clinical testing. Allele origin: germline. Affected: yes.
Comment: COL1A1 c.2784del p.(Gly929Alafs*179) is a single nucleotide frameshift deletion located in exon 39 out of 51 exons of the COL1A1 gene. It creates a premature stop codon and causes loss of normal protein function either by protein truncation or nonsense-mediated mRNA decay. This variant is absent from the population controls (gnomAD v2.1.1 and v4.1.0). It has been reported in individuals affected by osteogenesis imperfecta (PMID: 11317364, 34358384) and has been deposited as pathogenic in ClinVar (Accession: VCV000523942.11). For these reasons, COL1A1 c.2784del p.(Gly929Alafs*179) is classified as likely pathogenic.

Labcorp Genetics (formerly Invitae), Labcorp
Classification: Pathogenic for Osteogenesis imperfecta type I. Last evaluated: 2024-08-10. Review status: criteria provided, single submitter. Criteria: Invitae Variant Classification Sherloc (09022015). Collection method: clinical testing. Allele origin: germline.
Comment: This sequence change creates a premature translational stop signal (p.Gly929Alafs*179) in the COL1A1 gene. It is expected to result in an absent or disrupted protein product. Loss-of-function variants in COL1A1 are known to be pathogenic (PMID: 7942841, 9295084, 9443882). This variant is not present in population databases (gnomAD no frequency). This premature translational stop signal has been observed in individual(s) with osteogenesis imperfecta type I (PMID: 11317364). ClinVar contains an entry for this variant (Variation ID: 523942). For these reasons, this variant has been classified as Pathogenic.

Blueprint Genetics
Classification: Pathogenic for COL1A1-related disorders. Last evaluated: 2023-08-14. Review status: criteria provided, single submitter. Criteria: ACMG Guidelines, 2015. Collection method: clinical testing. Allele origin: germline. Affected: yes. Observed: 1 variant allele.

Center of Genomic medicine, Geneva, University Hospital of Geneva
Classification: Pathogenic for Osteogenesis imperfecta type I. Last evaluated: 2023-04-26. Review status: criteria provided, single submitter. Criteria: ACMG Guidelines, 2015. Collection method: clinical testing. Allele origin: maternal. Affected: yes. Observed: 3 variant alleles.

GeneDx
Classification: Pathogenic. Last evaluated: 2022-11-21. Review status: criteria provided, single submitter. Criteria: GeneDx Variant Classification Process June 2021. Collection method: clinical testing. Allele origin: germline. Affected: yes.
Comment: Frameshift variant predicted to result in protein truncation or nonsense mediated decay in a gene for which loss-of-function is a known mechanism of disease; Not observed in large population cohorts (gnomAD); This variant is associated with the following publications: (PMID: 11317364, 18311573, 34358384)

Literature cited by the submitters: PubMed 11317364 (cited by Division of Genetic & Genomic Pathology, Hong Kong Children's Hospital and Labcorp Genetics (formerly Invitae), Labcorp); PubMed 34358384 (cited by Division of Genetic & Genomic Pathology, Hong Kong Children's Hospital); PubMed 7942841 (cited by Labcorp Genetics (formerly Invitae), Labcorp); PubMed 9295084 (cited by Labcorp Genetics (formerly Invitae), Labcorp); PubMed 9443882 (cited by Labcorp Genetics (formerly Invitae), Labcorp).

NM_000088.4(COL1A1):c.2784del (p.Gly929fs)

Gene: COL1A1 (collagen type I alpha 1 chain; minus strand). Cytogenetic location: 17q21.33.
Variant type: Deletion.
Coding change: c.2784del on transcript NM_000088.4 (MANE Select); coding-DNA position 2784, one base deleted (T; older notation c.2784delT).
Protein change: p.Gly929fs; shifts the reading frame from glycine 929.
Molecular consequence: frameshift variant.
Genome position (GRCh38, 1-based): chr17:50,189,422, A deleted on the plus strand (T on the coding strand, the reverse complement: COL1A1 is on the minus strand). VCF-style (leftmost placement, unchanged base first): chr17-50189421-CA-C. GRCh37 (hg19) VCF-style: chr17-48266782-CA-C.
Other names: p.(Gly929Alafs*179); c.2784delT (NM_000088.3, NM_000088.4); short protein forms G929fs.
Identifiers: ClinVar variation 523942 (VCV000523942.16), dbSNP rs72653155, ClinGen allele CA291543187.